The following is an entry in ClinVar:

ClinVar aggregate classification (germline): Likely benign. Review status: criteria provided, single submitter (1 of 4 stars). 2 submissions from 2 submitters: Likely benign (1). 1 of the submissions does not count toward it. Last evaluated 2019-12-31.

Conditions:
KALRN-related disorder. Also called: KALRN-related condition.

Allele frequency attached by ClinVar (database versions not stated): gnomAD exomes 0.00016 and 0.00033; ExAC 0.00040; 1000 Genomes Project 0.00120; 1000 Genomes Project 30x 0.00125; gnomAD 0.00134 and 0.00147; ESP Exome Variant Server 0.00161; TOPMed 0.00161.
gnomAD v4.1: 448 of 1,612,374 alleles (0.028%); highest among the groups gnomAD compares: African/African-American, 0.47%; no homozygotes.

Submissions (2):

Labcorp Genetics (formerly Invitae), Labcorp
Classification: Likely benign. Last evaluated: 2019-12-31. Review status: criteria provided, single submitter. Criteria: Invitae Variant Classification Sherloc (09022015). Collection method: clinical testing. Allele origin: germline.

PreventionGenetics, part of Exact Sciences
Classification: Likely benign for KALRN-related condition. Last evaluated: 2022-04-15. Review status: no assertion criteria provided. Collection method: clinical testing. Allele origin: germline. Not counted in ClinVar's aggregate classification.
Comment: This variant is classified as likely benign based on ACMG/AMP sequence variant interpretation guidelines (Richards et al. 2015 PMID: 25741868, with internal and published modifications).

NM_001388419.1(KALRN):c.6931G>A (p.Glu2311Lys)

Gene: KALRN (kalirin RhoGEF kinase; plus strand). Cytogenetic location: 3q21.2.
Variant type: single nucleotide variant.
Coding change: c.6931G>A on transcript NM_001388419.1 (MANE Select); coding-DNA position 6931, G replaced by A.
Protein change: p.Glu2311Lys; replaces glutamic acid 2311 with lysine.
Molecular consequence: missense variant.
Genome position (GRCh38, 1-based): chr3:124,671,887, G>A. VCF-style: chr3-124671887-G-A. GRCh37 (hg19) VCF-style: chr3-124390734-G-A.
Other names: c.6928G>A, p.Glu2310Lys (NM_001024660.5); c.6925G>A, p.Glu2309Lys (NM_001322988.2); c.1837G>A, p.Glu613Lys (NM_001322993.2, NM_001322995.2, NM_001322996.2 and 1 more transcripts); c.1864G>A, p.Glu622Lys (NM_001322994.2); c.1834G>A, p.Glu612Lys (NM_001322997.2); c.1741G>A, p.Glu581Lys (NM_001322998.2, NM_001323000.2); c.1738G>A, p.Glu580Lys (NM_001322999.2, NM_001323001.2); c.5005G>A, p.Glu1669Lys (NM_001388412.1); short protein forms E612K, E622K, E2310K, E581K, E2309K, E580K, E613K, E1669K.
Identifiers: ClinVar variation 717185 (VCV000717185.6), dbSNP rs142947301, ClinGen allele CA2580965.
Genomic context (GRCh38, chr3:124,671,887, plus strand): 5'-AAGATATCTACCTCCAATGGCAGTCCAGGGTTTGAATACCACCAGCCTGGGGACAAGTTC[G>A]AAGCCAGCAAGGTAAGTGACAACTCATTACTCCCACCCTTGTCACTACGATGGCATAGCC-3'
Protein context (NP_001375348.1, residues 2301-2321): FEYHQPGDKF[Glu2311Lys]ASKNDLGGCN